The following is an entry in ClinVar:

ClinVar aggregate classification (germline): Likely benign (1 of 4 stars; one submission).

Allele frequency attached by ClinVar (database versions not stated): TOPMed below 0.00001; gnomAD 0.00001; ExAC 0.00003; gnomAD exomes 0.00007.
gnomAD v4.1: 93 of 1,577,328 alleles (0.0059%); highest among the groups gnomAD compares: Non-Finnish European, 0.0078%; no homozygotes.

Submission:

CeGaT Center for Human Genetics Tuebingen
Classification: Likely benign. Last evaluated: 2022-10-01. Review status: criteria provided, single submitter. Criteria: CeGaT Center For Human Genetics Tuebingen Variant Classification Criteria Version 2. Collection method: clinical testing. Allele origin: germline. Affected: yes. Observed: 1 variant allele.
Comment: MAPK8IP3: BP4

NM_001318852.2(MAPK8IP3):c.2159G>A (p.Arg720Lys)

Gene: MAPK8IP3 (mitogen-activated protein kinase 8 interacting protein 3; plus strand). Cytogenetic location: 16p13.3.
Variant type: single nucleotide variant.
Coding change: c.2159G>A on transcript NM_001318852.2 (MANE Select); coding-DNA position 2159, G replaced by A.
Protein change: p.Arg720Lys; replaces arginine 720 with lysine.
Molecular consequence: missense variant.
Genome position (GRCh38, 1-based): chr16:1,764,338, G>A. VCF-style: chr16-1764338-G-A. GRCh37 (hg19) VCF-style: chr16-1814339-G-A.
Other names: c.2138G>A, p.Arg713Lys (NM_001040439.2); c.2156G>A, p.Arg719Lys (NM_015133.5, NM_033392.3); short protein forms R713K, R719K, R720K.
Identifiers: ClinVar variation 2645925 (VCV002645925.24), dbSNP rs780589609, ClinGen allele CA7817161.